The following is an entry in ClinVar:

NM_001365480.1(CCDC88A):c.1438C>T (p.Arg480Trp)

Gene: CCDC88A (coiled-coil and HOOK domain protein 88A; minus strand). Cytogenetic location: 2p16.1.
Variant type: single nucleotide variant.
Coding change: c.1438C>T on transcript NM_001365480.1 (MANE Select); coding-DNA position 1438, C replaced by T.
Protein change: p.Arg480Trp; replaces arginine 480 with tryptophan.
Molecular consequence: missense variant.
Genome position (GRCh38, 1-based): chr2:55,339,544, G>A on the plus strand (C>T on the coding strand, the complement: CCDC88A is on the minus strand). VCF-style: chr2-55339544-G-A. GRCh37 (hg19) VCF-style: chr2-55566680-G-A.
Other names: c.1438C>T, p.Arg480Trp (NM_001135597.2, NM_001254943.2, NM_018084.5); c.1438C>T (NM_001135597.1); short protein forms R480W.
Identifiers: ClinVar variation 1508768 (VCV001508768.6), dbSNP rs2104705355, ClinGen allele CA346904058.

ClinVar aggregate classification (germline): Uncertain significance. Review status: criteria provided, multiple submitters, no conflicts (2 of 4 stars). 2 submissions from 2 submitters: Uncertain significance (2). Last evaluated 2024-12-26.

Allele frequency attached by ClinVar (database versions not stated): gnomAD exomes below 0.00001.
gnomAD v4.1: 2 of 1,613,620 alleles (0.00012%); highest among the groups gnomAD compares: Non-Finnish European, 0.00017%; no homozygotes.

Submissions (2):

GeneDx
Classification: Uncertain significance. Last evaluated: 2024-12-26. Review status: criteria provided, single submitter. Criteria: GeneDx Variant Classification Process June 2021. Collection method: clinical testing. Allele origin: germline. Affected: yes.
Comment: Not observed at significant frequency in large population cohorts (gnomAD); In silico analysis supports that this missense variant has a deleterious effect on protein structure/function; Has not been previously published as pathogenic or benign to our knowledge

Labcorp Genetics (formerly Invitae), Labcorp
Classification: Uncertain significance. Last evaluated: 2024-06-03. Review status: criteria provided, single submitter. Criteria: Invitae Variant Classification Sherloc (09022015). Collection method: clinical testing. Allele origin: germline.
Comment: This sequence change replaces arginine, which is basic and polar, with tryptophan, which is neutral and slightly polar, at codon 480 of the CCDC88A protein (p.Arg480Trp). This variant is not present in population databases (gnomAD no frequency). This variant has not been reported in the literature in individuals affected with CCDC88A-related conditions. ClinVar contains an entry for this variant (Variation ID: 1508768). An algorithm developed to predict the effect of missense changes on protein structure and function (PolyPhen-2) suggests that this variant is likely to be disruptive. In summary, the available evidence is currently insufficient to determine the role of this variant in disease. Therefore, it has been classified as a Variant of Uncertain Significance.